The following is an entry in ClinVar:

ClinVar aggregate classification (germline): Uncertain significance. Review status: criteria provided, single submitter (1 of 4 stars). 2 submissions from 2 submitters: Uncertain significance (1). 1 of the submissions does not count toward it. Last evaluated 2021-08-27.

Conditions:
Cystic fibrosis (CF). Also called: MUCOVISCIDOSIS. Identifiers: Orphanet 586, MedGen C0010674, MONDO:0009061, OMIM 219700. Disease mechanism: loss of function.
CFTR-related disorder (CFTR-RD). Also called: CFTR-related disorders; CFTR-related condition. Identifiers: MedGen C5924204, MONDO:7770004.

Allele frequency attached by ClinVar (database versions not stated): gnomAD exomes below 0.00001.
gnomAD v4.1: 1 of 1,613,618 alleles (0.000062%); highest among the groups gnomAD compares: Middle Eastern, 0.017%; no homozygotes.

Submissions (2):

Labcorp Genetics (formerly Invitae), Labcorp
Classification: Uncertain significance for Cystic fibrosis. Last evaluated: 2021-08-27. Review status: criteria provided, single submitter. Criteria: Invitae Variant Classification Sherloc (09022015). Collection method: clinical testing. Allele origin: germline.
Comment: This sequence change replaces tyrosine with asparagine at codon 122 of the CFTR protein (p.Tyr122Asn). The tyrosine residue is moderately conserved and there is a large physicochemical difference between tyrosine and asparagine. This variant is not present in population databases (ExAC no frequency). This variant has not been reported in the literature in individuals affected with CFTR-related conditions. Algorithms developed to predict the effect of missense changes on protein structure and function are either unavailable or do not agree on the potential impact of this missense change (SIFT: "Tolerated"; PolyPhen-2: "Probably Damaging"; Align-GVGD: "Class C0"). In summary, the available evidence is currently insufficient to determine the role of this variant in disease. Therefore, it has been classified as a Variant of Uncertain Significance.

Natera, Inc.
Classification: Uncertain significance for CFTR-related disorders. Last evaluated: 2021-05-13. Review status: no assertion criteria provided. Collection method: clinical testing. Allele origin: germline. Not counted in ClinVar's aggregate classification.

NM_000492.4(CFTR):c.364T>A (p.Tyr122Asn)

Gene: CFTR (CF transmembrane conductance regulator; plus strand). Cytogenetic location: 7q31.2.
Variant type: single nucleotide variant.
Coding change: c.364T>A on transcript NM_000492.4 (MANE Select); coding-DNA position 364, T replaced by A.
Protein change: p.Tyr122Asn; replaces tyrosine 122 with asparagine.
Molecular consequence: missense variant.
Genome position (GRCh38, 1-based): chr7:117,530,989, T>A. VCF-style: chr7-117530989-T-A. GRCh37 (hg19) VCF-style: chr7-117171043-T-A.
Other names: short protein forms Y122N.
Identifiers: ClinVar variation 1018653 (VCV001018653.7), dbSNP rs397508592, ClinGen allele CA368974492.